The following is an entry in ClinVar:

NC_000007.13:g.(?_82072661)_(82072775_?)dup

Gene: CACNA2D1 (calcium voltage-gated channel auxiliary subunit alpha2delta 1; minus strand). Cytogenetic location: 7q21.11.
Variant type: Duplication.
Identifiers: ClinVar variation 2423380 (VCV002423380.4).

ClinVar aggregate classification (germline): Uncertain significance (1 of 4 stars; one submission).

Conditions:
Brugada syndrome. Also called: Sudden unexpected nocturnal death syndrome; Sudden Unexplained Death Syndrome; Sudden Unexplained Nocturnal Death Syndrome (SUNDS); Sudden unexplained nocturnal death syndrome. Identifiers: Orphanet 130, MedGen C1142166, MONDO:0015263.

Submission:

Labcorp Genetics (formerly Invitae), Labcorp
Classification: Uncertain significance for Brugada syndrome. Last evaluated: 2022-03-21. Review status: criteria provided, single submitter. Criteria: Invitae Variant Classification Sherloc (09022015). Collection method: clinical testing. Allele origin: germline.
Comment: In summary, the available evidence is currently insufficient to determine the role of this variant in disease. Therefore, it has been classified as a Variant of Uncertain Significance. Experimental studies and prediction algorithms are not available or were not evaluated, and the functional significance of this variant is currently unknown. This variant has not been reported in the literature in individuals affected with CACNA2D1-related conditions. This variant results in a copy number gain of the genomic region encompassing exon(s) 1 of the CACNA2D1 gene. This region includes the initiator codon of the gene. This copy number gain extends beyond the assayed region for this gene and therefore may encompass additional genes. As the precise location of this event is unknown, it may be in tandem or it may be located elsewhere in the genome.